The following is an entry in ClinVar:

ClinVar aggregate classification (germline): Uncertain significance (1 of 4 stars; one submission).

Conditions:
Fanconi anemia (FA). Also called: Fanconi's anemia. Identifiers: Orphanet 84, MedGen C0015625, MeSH D005199, MONDO:0019391.

Submission:

Labcorp Genetics (formerly Invitae), Labcorp
Classification: Uncertain significance for Fanconi anemia. Last evaluated: 2025-04-09. Review status: criteria provided, single submitter. Criteria: Invitae Variant Classification Sherloc (09022015). Collection method: clinical testing. Allele origin: germline.
Comment: This sequence change replaces phenylalanine, which is neutral and non-polar, with leucine, which is neutral and non-polar, at codon 1591 of the FANCM protein (p.Phe1591Leu). This variant is not present in population databases (gnomAD no frequency). This variant has not been reported in the literature in individuals affected with FANCM-related conditions. An algorithm developed to predict the effect of missense changes on protein structure and function (PolyPhen-2) suggests that this variant is likely to be disruptive. In summary, the available evidence is currently insufficient to determine the role of this variant in disease. Therefore, it has been classified as a Variant of Uncertain Significance.

NM_020937.4(FANCM):c.4773C>G (p.Phe1591Leu)

Gene: FANCM (FA complementation group M; plus strand). Cytogenetic location: 14q21.2.
Variant type: single nucleotide variant.
Coding change: c.4773C>G on transcript NM_020937.4 (MANE Select); coding-DNA position 4773, C replaced by G.
Protein change: p.Phe1591Leu; replaces phenylalanine 1591 with leucine.
Molecular consequence: missense variant.
Genome position (GRCh38, 1-based): chr14:45,187,881, C>G. VCF-style: chr14-45187881-C-G. GRCh37 (hg19) VCF-style: chr14-45657084-C-G.
Other names: c.4695C>G, p.Phe1565Leu (NM_001308133.2); short protein forms F1565L, F1591L.
Identifiers: ClinVar variation 4716934 (VCV004716934.1).